The following is an entry in ClinVar:

NM_017534.6(MYH2):c.3046C>G (p.Leu1016Val)

Genes: MYHAS (myosin heavy chain gene cluster antisense RNA; plus strand), MYH2 (myosin heavy chain 2; minus strand). Cytogenetic location: 17p13.1.
Variant type: single nucleotide variant.
Coding change: c.3046C>G on transcript NM_017534.6 (MANE Select); coding-DNA position 3046, C replaced by G.
Protein change: p.Leu1016Val; replaces leucine 1016 with valine.
Molecular consequence: missense variant.
Genome position (GRCh38, 1-based): chr17:10,529,635, G>C on the plus strand (C>G on the coding strand, the complement: MYH2 is on the minus strand). VCF-style: chr17-10529635-G-C. GRCh37 (hg19) VCF-style: chr17-10432952-G-C.
Other names: c.3046C>G, p.Leu1016Val (NM_001100112.2); short protein forms L1016V.
Identifiers: ClinVar variation 1481188 (VCV001481188.11), dbSNP rs771807032, ClinGen allele CA8391015.
Genomic context (GRCh38, chr17:10,529,635, plus strand): 5'-GTTGTTCAAGTTTGATTTTAGCTTTGGTCAGGGTGTTGACTTTGTCCTCCTCTGCCTGCA[G>C]GTCATCCAGGGTCTGCTGGTGGGCCTCCTGGAGAGCCTTCTTCTCCTTGGTCAGCTTAGC-3'
Protein context (NP_060004.3, residues 1006-1026): QEAHQQTLDD[Leu1016Val]QAEEDKVNTL

ClinVar aggregate classification (germline): Uncertain significance. Review status: criteria provided, multiple submitters, no conflicts (2 of 4 stars). 2 submissions from 2 submitters: Uncertain significance (2). Last evaluated 2025-11-05.

Conditions:
Myopathy, proximal, and ophthalmoplegia (CMYO6). Also called: INCLUSION BODY MYOPATHY 3, AUTOSOMAL DOMINANT; CONGENITAL MYOPATHY 6 WITH OPHTHALMOPLEGIA; MYOPATHY WITH CONGENITAL JOINT CONTRACTURES, OPHTHALMOPLEGIA, AND RIMMED VACUOLES. Identifiers: Orphanet 363677, Orphanet 79091, MedGen C1854106, MONDO:0011577, OMIM 605637.

Allele frequency attached by ClinVar (database versions not stated): ExAC 0.00001; gnomAD exomes 0.00001.
gnomAD v4.1: 10 of 1,614,058 alleles (0.00062%); highest among the groups gnomAD compares: Middle Eastern, 0.12%; 1 homozygote.

Submissions (2):

Labcorp Genetics (formerly Invitae), Labcorp
Classification: Uncertain significance for Myopathy, proximal, and ophthalmoplegia. Last evaluated: 2025-11-05. Review status: criteria provided, single submitter. Criteria: Invitae Variant Classification Sherloc (09022015). Collection method: clinical testing. Allele origin: germline.
Comment: This sequence change replaces leucine, which is neutral and non-polar, with valine, which is neutral and non-polar, at codon 1016 of the MYH2 protein (p.Leu1016Val). This variant is present in population databases (rs771807032, gnomAD 0.0009%). This variant has not been reported in the literature in individuals affected with MYH2-related conditions. ClinVar contains an entry for this variant (Variation ID: 1481188). Invitae Evidence Modeling of protein sequence and biophysical properties (such as structural, functional, and spatial information, amino acid conservation, physicochemical variation, residue mobility, and thermodynamic stability) indicates that this missense variant is not expected to disrupt MYH2 protein function with a negative predictive value of 80%. In summary, the available evidence is currently insufficient to determine the role of this variant in disease. Therefore, it has been classified as a Variant of Uncertain Significance.

Revvity Omics, Revvity
Classification: Uncertain significance for Myopathy, proximal, and ophthalmoplegia. Last evaluated: 2019-12-09. Review status: criteria provided, single submitter. Criteria: ACMG Guidelines, 2015. Collection method: clinical testing. Allele origin: germline.